The following is an entry in ClinVar:

NM_000722.4(CACNA2D1):c.1279T>C (p.Leu427=)

Genes: CACNA2D1-AS1 (CACNA2D1 antisense RNA 1; plus strand), CACNA2D1 (calcium voltage-gated channel auxiliary subunit alpha2delta 1; minus strand). Cytogenetic location: 7q21.11.
Variant type: single nucleotide variant.
Coding change: c.1279T>C on transcript NM_000722.4 (MANE Select); coding-DNA position 1279, T replaced by C.
Protein change: p.Leu427=; no amino-acid change (leucine 427 retained).
Molecular consequence: synonymous variant.
Genome position (GRCh38, 1-based): chr7:82,012,237, A>G on the plus strand (T>C on the coding strand, the complement: CACNA2D1 is on the minus strand). VCF-style: chr7-82012237-A-G. GRCh37 (hg19) VCF-style: chr7-81641553-A-G.
Other names: p.Leu427=; c.1279T>C, p.Leu427= (NM_001366867.1); c.1279T>C (LRG_437t1).
Identifiers: ClinVar variation 381781 (VCV000381781.18), dbSNP rs37133, ClinGen allele CA4318077.

ClinVar aggregate classification (germline): Benign. Review status: criteria provided, multiple submitters, no conflicts (2 of 4 stars). 6 submissions from 6 submitters: Benign (6). Last evaluated 2026-02-02.

Conditions:
Brugada syndrome. Also called: Sudden unexpected nocturnal death syndrome; Sudden Unexplained Death Syndrome; Sudden Unexplained Nocturnal Death Syndrome (SUNDS); Sudden unexplained nocturnal death syndrome. Identifiers: Orphanet 130, MedGen C1142166, MONDO:0015263.
Cardiovascular phenotype. Identifiers: MedGen CN230736.

Allele frequency attached by ClinVar (database versions not stated): gnomAD exomes 0.00229 and 0.00587; ExAC 0.00723; gnomAD 0.02079 and 0.02238; 1000 Genomes Project 0.02236; TOPMed 0.02308; ESP Exome Variant Server 0.02407; 1000 Genomes Project 30x 0.02420.
gnomAD v4.1: 6,502 of 1,578,384 alleles (0.41%); highest among the groups gnomAD compares: African/African-American, 7.2%; 217 homozygotes.

Submissions (6):

Labcorp Genetics (formerly Invitae), Labcorp
Classification: Benign for Brugada syndrome. Last evaluated: 2026-02-02. Review status: criteria provided, single submitter. Criteria: Invitae Variant Classification Sherloc (09022015). Collection method: clinical testing. Allele origin: germline.

Mayo Clinic Laboratories, Mayo Clinic
Classification: Benign. Last evaluated: 2019-01-02. Review status: criteria provided, single submitter. Criteria: ACMG Guidelines, 2015. Collection method: clinical testing. Allele origin: germline. Observed: 14 variant alleles.

Athena Diagnostics
Classification: Benign. Last evaluated: 2017-05-03. Review status: criteria provided, single submitter. Criteria: Athena Diagnostics Criteria. Collection method: clinical testing. Allele origin: germline.

GeneDx
Classification: Benign. Last evaluated: 2016-10-05. Review status: criteria provided, single submitter. Criteria: GeneDx Variant Classification (06012015). Collection method: clinical testing. Allele origin: germline. Affected: yes.
Comment: This variant is considered likely benign or benign based on one or more of the following criteria: it is a conservative change, it occurs at a poorly conserved position in the protein, it is predicted to be benign by multiple in silico algorithms, and/or has population frequency not consistent with disease.

Ambry Genetics
Classification: Benign for Cardiovascular phenotype. Last evaluated: 2015-07-16. Review status: criteria provided, single submitter. Criteria: Ambry Variant Classification Scheme 2023. Collection method: clinical testing. Allele origin: germline.

Breakthrough Genomics
Classification: Benign. Review status: criteria provided, single submitter. Criteria: ACMG Guidelines, 2015. Collection method: not provided. Allele origin: germline. Inheritance: Autosomal recessive inheritance. Affected: yes.